The following is an entry in ClinVar:

ClinVar aggregate classification (germline): Likely benign. Review status: criteria provided, multiple submitters, no conflicts (2 of 4 stars). 3 submissions from 3 submitters: Likely benign (3). Last evaluated 2026-02-02.

Conditions:
Peroxisome biogenesis disorder, complementation group K (CGK). Identifiers: MedGen C1866257, MONDO:0800365.

Submissions (3):

Labcorp Genetics (formerly Invitae), Labcorp
Classification: Likely benign for Peroxisome biogenesis disorder, complementation group K. Last evaluated: 2026-02-02. Review status: criteria provided, single submitter. Criteria: Invitae Variant Classification Sherloc (09022015). Collection method: clinical testing. Allele origin: germline.

Mayo Clinic Laboratories, Mayo Clinic
Classification: Likely benign. Last evaluated: 2025-09-09. Review status: criteria provided, single submitter. Criteria: ACMG Guidelines, 2015. Collection method: clinical testing. Allele origin: germline. Observed: 5 variant alleles.
Comment: BS1

Blueprint Genetics
Classification: Likely benign. Last evaluated: 2024-11-19. Review status: criteria provided, single submitter. Criteria: ACMG Guidelines, 2015. Collection method: clinical testing. Allele origin: germline.

NM_004565.3(PEX14):c.585+23_585+32dup

Genes: PEX14 (peroxisomal biogenesis factor 14; plus strand), LOC126805616 (CDK7 strongly-dependent group 2 enhancer GRCh37_chr1:10683990-10685189; plus strand). Cytogenetic location: 1p36.22.
Variant type: Duplication.
Coding change: c.585+23_585+32dup on transcript NM_004565.3 (MANE Select); bases 23 to 32 of the intron after coding-DNA position 585, 10 bases duplicated (GCCCTCCAGG; older notation c.585+23_585+32dupGCCCTCCAGG).
Molecular consequence: intron variant.
Genome position (GRCh38, 1-based): chr1:10,624,460-10,624,469, GCCCTCCAGG duplicated; duplicating any 10 consecutive bases within chr1:10,624,456-10,624,469 gives the same sequence; the c. name uses the placement nearest the transcript's 3' end. VCF-style (leftmost placement, unchanged base first): chr1-10624455-A-ACAGGGCCCTC. GRCh37 (hg19) VCF-style: chr1-10684512-A-ACAGGGCCCTC.
Other names: p.?.
Identifiers: ClinVar variation 1134039 (VCV001134039.11), dbSNP rs566024461, ClinGen allele CA583894.